The following is an entry in ClinVar:

NM_020949.3(SLC7A14):c.1886C>T (p.Ala629Val)

Genes: SLC7A14 (solute carrier family 7 member 14; minus strand), SLC7A14-AS1 (SLC7A14 antisense RNA 1; plus strand). Cytogenetic location: 3q26.2.
Variant type: single nucleotide variant.
Coding change: c.1886C>T on transcript NM_020949.3 (MANE Select); coding-DNA position 1886, C replaced by T.
Protein change: p.Ala629Val; replaces alanine 629 with valine.
Molecular consequence: missense variant.
Genome position (GRCh38, 1-based): chr3:170,480,396, G>A on the plus strand (C>T on the coding strand, the complement: SLC7A14 is on the minus strand). VCF-style: chr3-170480396-G-A. GRCh37 (hg19) VCF-style: chr3-170198185-G-A.
Other names: short protein forms A629V.
Identifiers: ClinVar variation 3605159 (VCV003605159.2).
Genomic context (GRCh38, chr3:170,480,396, plus strand): 5'-TTTAGCATGAGATAGATGTTCACCAGCATGGCAAAGGCAGGCACAAAGGGGAGGCAAGGG[G>A]CCATGTAGGGCAGCTTCTTGGGGTTCTCTGGCTGCTGCAGGATCACAAACACCAGGGTGC-3'
Protein context (NP_066000.2, residues 619-639): PENPKKLPYM[Ala629Val]PCLPFVPAFA

ClinVar aggregate classification (germline): Uncertain significance (1 of 4 stars; one submission).

gnomAD v4.1: 4 of 1,612,602 alleles (0.00025%); highest among the groups gnomAD compares: Middle Eastern, 0.017%; no homozygotes.

Submission:

Labcorp Genetics (formerly Invitae), Labcorp
Classification: Uncertain significance. Last evaluated: 2024-10-22. Review status: criteria provided, single submitter. Criteria: Invitae Variant Classification Sherloc (09022015). Collection method: clinical testing. Allele origin: germline.
Comment: This sequence change replaces alanine, which is neutral and non-polar, with valine, which is neutral and non-polar, at codon 629 of the SLC7A14 protein (p.Ala629Val). This variant is present in population databases (no rsID available, gnomAD no frequency). This variant has not been reported in the literature in individuals affected with SLC7A14-related conditions. An algorithm developed to predict the effect of missense changes on protein structure and function (PolyPhen-2) suggests that this variant is likely to be disruptive. In summary, the available evidence is currently insufficient to determine the role of this variant in disease. Therefore, it has been classified as a Variant of Uncertain Significance.